The following is an entry in ClinVar:

ClinVar aggregate classification (germline): Uncertain significance (1 of 4 stars; one submission).

Conditions:
Nance-Horan syndrome (NHS). Identifiers: Orphanet 627, MedGen C0796085, MONDO:0010545, OMIM 302350.

gnomAD v4.1: 1 of 1,211,994 alleles (0.000083%); no homozygotes.

Submission:

Labcorp Genetics (formerly Invitae), Labcorp
Classification: Uncertain significance for Nance-Horan syndrome. Last evaluated: 2025-12-21. Review status: criteria provided, single submitter. Criteria: Invitae Variant Classification Sherloc (09022015). Collection method: clinical testing. Allele origin: germline.
Comment: This sequence change replaces serine, which is neutral and polar, with phenylalanine, which is neutral and non-polar, at codon 1535 of the NHS protein (p.Ser1535Phe). This variant is not present in population databases (gnomAD no frequency). This variant has not been reported in the literature in individuals affected with NHS-related conditions. Invitae Evidence Modeling of protein sequence and biophysical properties (such as structural, functional, and spatial information, amino acid conservation, physicochemical variation, residue mobility, and thermodynamic stability) indicates that this missense variant is not expected to disrupt NHS protein function with a negative predictive value of 80%. In summary, the available evidence is currently insufficient to determine the role of this variant in disease. Therefore, it has been classified as a Variant of Uncertain Significance.

NM_001291867.2(NHS):c.4667C>T (p.Ser1556Phe)

Gene: NHS (NHS actin remodeling regulator; plus strand). Cytogenetic location: Xp22.13.
Variant type: single nucleotide variant.
Coding change: c.4667C>T on transcript NM_001291867.2 (MANE Select); coding-DNA position 4667, C replaced by T.
Protein change: p.Ser1556Phe; replaces serine 1556 with phenylalanine.
Molecular consequence: missense variant.
Genome position (GRCh38, 1-based): chrX:17,732,175, C>T. VCF-style: chrX-17732175-C-T. GRCh37 (hg19) VCF-style: chrX-17750295-C-T.
Other names: c.4136C>T, p.Ser1379Phe (NM_001136024.4); c.4073C>T, p.Ser1358Phe (NM_001291868.2); c.4328C>T, p.Ser1443Phe (NM_001440780.1); c.4604C>T, p.Ser1535Phe (NM_198270.4); short protein forms S1379F, S1443F, S1535F, S1556F, S1358F.
Identifiers: ClinVar variation 4700996 (VCV004700996.1).